The following is an entry in ClinVar:

NM_018089.3(ANKZF1):c.1145_1147del (p.Arg382del)

Gene: ANKZF1 (ankyrin repeat and zinc finger peptidyl tRNA hydrolase 1; plus strand). Cytogenetic location: 2q35.
Variant type: Deletion.
Coding change: c.1145_1147del on transcript NM_018089.3 (MANE Select); coding-DNA positions 1145 to 1147, 3 bases deleted (GAA; older notation c.1145_1147delGAA).
Protein change: p.Arg382del; deletes arginine 382.
Molecular consequence: inframe deletion.
Genome position (GRCh38, 1-based): chr2:219,234,229-219,234,231, GAA deleted; deleting any 3 consecutive bases within chr2:219,234,227-219,234,231 gives the same sequence; the c. name uses the placement nearest the transcript's 3' end. VCF-style (leftmost placement, unchanged base first): chr2-219234226-TAAG-T. GRCh37 (hg19) VCF-style: chr2-220098948-TAAG-T.
Other names: c.1145_1147del, p.Arg382del (NM_001042410.2); c.515_517del, p.Arg172del (NM_001282792.2); short protein forms R172del, R382del.
Identifiers: ClinVar variation 2716794 (VCV002716794.3), dbSNP rs780279587, ClinGen allele CA2120979.

ClinVar aggregate classification (germline): Uncertain significance (1 of 4 stars; one submission).

Submission:

Labcorp Genetics (formerly Invitae), Labcorp
Classification: Uncertain significance. Last evaluated: 2023-12-27. Review status: criteria provided, single submitter. Criteria: Invitae Variant Classification Sherloc (09022015). Collection method: clinical testing. Allele origin: germline.
Comment: This variant, c.1145_1147del, results in the deletion of 1 amino acid(s) of the ANKZF1 protein (p.Arg382del), but otherwise preserves the integrity of the reading frame. This variant is present in population databases (rs780279587, gnomAD 0.008%). This variant has not been reported in the literature in individuals affected with ANKZF1-related conditions. Experimental studies and prediction algorithms are not available or were not evaluated, and the functional significance of this variant is currently unknown. In summary, the available evidence is currently insufficient to determine the role of this variant in disease. Therefore, it has been classified as a Variant of Uncertain Significance.